The following is an entry in ClinVar:

NM_001148.6(ANK2):c.4253G>A (p.Arg1418His)

Gene: ANK2 (ankyrin 2; plus strand). Cytogenetic location: 4q26.
Variant type: single nucleotide variant.
Coding change: c.4253G>A on transcript NM_001148.6 (MANE Select); coding-DNA position 4253, G replaced by A.
Protein change: p.Arg1418His; replaces arginine 1418 with histidine.
Molecular consequence: missense variant.
Genome position (GRCh38, 1-based): chr4:113,345,904, G>A. VCF-style: chr4-113345904-G-A. GRCh37 (hg19) VCF-style: chr4-114267060-G-A.
Other names: c.4226G>A, p.Arg1409His (NM_001127493.3); c.4265G>A, p.Arg1422His (NM_001354225.2); c.4154G>A, p.Arg1385His (NM_001354228.2, NM_001354258.2); c.4232G>A, p.Arg1411His (NM_001354230.2); c.4295G>A, p.Arg1432His (NM_001354231.2, NM_001354242.2); c.4289G>A, p.Arg1430His (NM_001354232.2); c.4250G>A, p.Arg1417His (NM_001354235.2, NM_001354246.2, NM_001354265.2); c.4151G>A, p.Arg1384His (NM_001354236.2); and 31 more; short protein forms R1290H, R1323H, R1331H, R1343H, R1364H, R1375H, R1397H, R1408H.
Identifiers: ClinVar variation 3020446 (VCV003020446.4), dbSNP rs770698838, ClinGen allele CA3051030.
Genomic context (GRCh38, chr4:113,345,904, plus strand): 5'-AAAGTAAATACTGCAAATCAAATGTGGGTGAAGCATGTATGTCTTTCTTGTTCAAGGTAC[G>A]CGATACGACTCAGGAACCTTGCGGACGACTATCATTTATGAAGGAGCCAAAATCCACGAG-3'
Protein context (NP_001139.3, residues 1408-1428): ENRLPLFVKV[Arg1418His]DTTQEPCGRL

ClinVar aggregate classification (germline): Uncertain significance. Review status: criteria provided, multiple submitters, no conflicts (2 of 4 stars). 2 submissions from 2 submitters: Uncertain significance (2). Last evaluated 2026-01-19.

Conditions:
Cardiovascular phenotype. Identifiers: MedGen CN230736.
Long QT syndrome (LQTS). Identifiers: MedGen C0023976, MeSH D008133, MONDO:0002442. Disease mechanism: loss of function. Inheritance: Various modes of inheritance.

Allele frequency attached by ClinVar (database versions not stated): gnomAD 0.00001; ExAC 0.00001.
gnomAD v4.1: 16 of 1,613,256 alleles (0.00099%); highest among the groups gnomAD compares: Non-Finnish European, 0.0013%; no homozygotes.

Submissions (2):

Labcorp Genetics (formerly Invitae), Labcorp
Classification: Uncertain significance for Long QT syndrome. Last evaluated: 2026-01-19. Review status: criteria provided, single submitter. Criteria: Invitae Variant Classification Sherloc (09022015). Collection method: clinical testing. Allele origin: germline.
Comment: This sequence change replaces arginine, which is basic and polar, with histidine, which is basic and polar, at codon 1418 of the ANK2 protein (p.Arg1418His). This variant is present in population databases (rs770698838, gnomAD 0.002%). This missense change has been observed in individual(s) with sudden unexpected infant death (PMID: 38895864). ClinVar contains an entry for this variant (Variation ID: 3020446). Invitae Evidence Modeling of protein sequence and biophysical properties (such as structural, functional, and spatial information, amino acid conservation, physicochemical variation, residue mobility, and thermodynamic stability) indicates that this missense variant is not expected to disrupt ANK2 protein function with a negative predictive value of 80%. In summary, the available evidence is currently insufficient to determine the role of this variant in disease. Therefore, it has been classified as a Variant of Uncertain Significance.

Ambry Genetics
Classification: Uncertain significance for Cardiovascular phenotype. Last evaluated: 2024-04-07. Review status: criteria provided, single submitter. Criteria: Ambry Variant Classification Scheme 2023. Collection method: clinical testing. Allele origin: germline.
Comment: The p.R1418H variant (also known as c.4253G>A), located in coding exon 35 of the ANK2 gene, results from a G to A substitution at nucleotide position 4253. The arginine at codon 1418 is replaced by histidine, an amino acid with highly similar properties. This amino acid position is conserved. In addition, this alteration is predicted to be deleterious by in silico analysis. Based on the available evidence, the clinical significance of this variant remains unclear.

Literature cited by the submitters: PubMed 38895864 (cited by Labcorp Genetics (formerly Invitae), Labcorp).